The following is an entry in ClinVar:

NM_000187.4(HGD):c.1076C>T (p.Pro359Leu)

Gene: HGD (homogentisate 1,2-dioxygenase; minus strand). Cytogenetic location: 3q13.33.
Variant type: single nucleotide variant.
Coding change: c.1076C>T on transcript NM_000187.4 (MANE Select); coding-DNA position 1076, C replaced by T.
Protein change: p.Pro359Leu; replaces proline 359 with leucine.
Molecular consequence: missense variant.
Genome position (GRCh38, 1-based): chr3:120,633,259, G>A on the plus strand (C>T on the coding strand, the complement: HGD is on the minus strand). VCF-style: chr3-120633259-G-A. GRCh37 (hg19) VCF-style: chr3-120352106-G-A.
Other names: short protein forms P359L.
Identifiers: ClinVar variation 2734554 (VCV002734554.4), dbSNP rs764037565, ClinGen allele CA2559973.
Genomic context (GRCh38, chr3:120,633,259, plus strand): 5'-TCAAAGCAGTCAGCATCAGGTCCATGGGGGGTCATTGTGCTGTGTAGACTCCCTCCCCCT[G>A]GCAGGAACCCACCTTGCTTTGCCTCATAGTGACCTCGGATGAGTCCCATGAACTCACTCA-3'
Protein context (NP_000178.2, residues 349-369): HYEAKQGGFL[Pro359Leu]GGGSLHSTMT

ClinVar aggregate classification (germline): Conflicting classifications of pathogenicity. Review status: criteria provided, conflicting classifications (1 of 4 stars). 2 submissions from 2 submitters: Pathogenic (1); Uncertain significance (1). Last evaluated 2024-10-12.

Conditions:
Alkaptonuria (AKU). Also called: Homogentisic acidura; HOMOGENTISIC ACID OXIDASE DEFICIENCY; Alkaptonuric ochronosis; Alcaptonuria. Identifiers: Orphanet 56, MedGen C0002066, MONDO:0008753, OMIM 203500.

Allele frequency attached by ClinVar (database versions not stated): TOPMed 0.00001; ExAC 0.00002; gnomAD exomes 0.00003; gnomAD 0.00001.
gnomAD v4.1: 52 of 1,613,912 alleles (0.0032%); highest among the groups gnomAD compares: Non-Finnish European, 0.0042%; no homozygotes.

Submissions (2):

Labcorp Genetics (formerly Invitae), Labcorp
Classification: Pathogenic for Alkaptonuria. Last evaluated: 2024-10-12. Review status: criteria provided, single submitter. Criteria: Invitae Variant Classification Sherloc (09022015). Collection method: clinical testing. Allele origin: germline.
Comment: This sequence change replaces proline, which is neutral and non-polar, with leucine, which is neutral and non-polar, at codon 359 of the HGD protein (p.Pro359Leu). This variant is present in population databases (rs764037565, gnomAD 0.003%). This missense change has been observed in individual(s) with alkaptonuria (PMID: 19862842, 25681086). Invitae Evidence Modeling of protein sequence and biophysical properties (such as structural, functional, and spatial information, amino acid conservation, physicochemical variation, residue mobility, and thermodynamic stability) indicates that this missense variant is expected to disrupt HGD protein function with a positive predictive value of 95%. For these reasons, this variant has been classified as Pathogenic.

Fulgent Genetics
Classification: Uncertain significance for Alkaptonuria. Last evaluated: 2024-04-28. Review status: criteria provided, single submitter. Criteria: ACMG Guidelines, 2015. Collection method: clinical testing. Allele origin: germline.

Literature cited by the submitters: PubMed 19862842 (cited by Labcorp Genetics (formerly Invitae), Labcorp); PubMed 25681086 (cited by Labcorp Genetics (formerly Invitae), Labcorp).